The following is an entry in ClinVar:

NM_000057.4(BLM):c.3110G>A (p.Arg1037Lys)

Gene: BLM (BLM RecQ like helicase; plus strand). Cytogenetic location: 15q26.1.
Variant type: single nucleotide variant.
Coding change: c.3110G>A on transcript NM_000057.4 (MANE Select); coding-DNA position 3110, G replaced by A.
Protein change: p.Arg1037Lys; replaces arginine 1037 with lysine.
Molecular consequence: missense variant.
Genome position (GRCh38, 1-based): chr15:90,794,257, G>A. VCF-style: chr15-90794257-G-A. GRCh37 (hg19) VCF-style: chr15-91337487-G-A.
Other names: c.3110G>A, p.Arg1037Lys (NM_001287246.2, NM_001287247.2); c.1985G>A, p.Arg662Lys (NM_001287248.2); short protein forms R1037K, R662K.
Identifiers: ClinVar variation 1351878 (VCV001351878.8), dbSNP rs990520268, ClinGen allele CA274767465.

ClinVar aggregate classification (germline): Uncertain significance (1 of 4 stars; one submission).

Conditions:
Bloom syndrome (BLM). Also called: Bloom-Torre-Machacek syndrome. Identifiers: Orphanet 125, MedGen C0005859, MONDO:0008876, OMIM 210900.

Allele frequency attached by ClinVar (database versions not stated): gnomAD exomes below 0.00001; TOPMed below 0.00001; gnomAD 0.00001.
gnomAD v4.1: 2 of 1,606,388 alleles (0.00012%); highest among the groups gnomAD compares: African/African-American, 0.0013%; no homozygotes.

Submission:

Labcorp Genetics (formerly Invitae), Labcorp
Classification: Uncertain significance for Bloom syndrome. Last evaluated: 2023-05-15. Review status: criteria provided, single submitter. Criteria: Invitae Variant Classification Sherloc (09022015). Collection method: clinical testing. Allele origin: germline.
Comment: Advanced modeling of protein sequence and biophysical properties (such as structural, functional, and spatial information, amino acid conservation, physicochemical variation, residue mobility, and thermodynamic stability) performed at Invitae indicates that this missense variant is expected to disrupt BLM protein function. ClinVar contains an entry for this variant (Variation ID: 1351878). This variant has not been reported in the literature in individuals affected with BLM-related conditions. This variant is not present in population databases (gnomAD no frequency). This sequence change replaces arginine, which is basic and polar, with lysine, which is basic and polar, at codon 1037 of the BLM protein (p.Arg1037Lys). In summary, the available evidence is currently insufficient to determine the role of this variant in disease. Therefore, it has been classified as a Variant of Uncertain Significance.